The following is an entry in ClinVar:

ClinVar aggregate classification (germline): Uncertain significance (1 of 4 stars; one submission).

Conditions:
Immunodeficiency 51 (IMD51). Also called: CANDIDIASIS, FAMILIAL, 5. Identifiers: Orphanet 1334, MedGen C4310803, MONDO:0013500, OMIM 613953.

Allele frequency attached by ClinVar (database versions not stated): gnomAD exomes below 0.00001.
gnomAD v4.1: 1 of 1,545,200 alleles (0.000065%); highest among the groups gnomAD compares: Non-Finnish European, 0.000087%; no homozygotes.

Submission:

Labcorp Genetics (formerly Invitae), Labcorp
Classification: Uncertain significance for Immunodeficiency 51. Last evaluated: 2025-10-03. Review status: criteria provided, single submitter. Criteria: Invitae Variant Classification Sherloc (09022015). Collection method: clinical testing. Allele origin: germline.
Comment: This sequence change replaces alanine, which is neutral and non-polar, with valine, which is neutral and non-polar, at codon 702 of the IL17RA protein (p.Ala702Val). This variant is not present in population databases (gnomAD no frequency). This variant has not been reported in the literature in individuals affected with IL17RA-related conditions. ClinVar contains an entry for this variant (Variation ID: 2803972). Invitae Evidence Modeling of protein sequence and biophysical properties (such as structural, functional, and spatial information, amino acid conservation, physicochemical variation, residue mobility, and thermodynamic stability) indicates that this missense variant is not expected to disrupt IL17RA protein function with a negative predictive value of 80%. In summary, the available evidence is currently insufficient to determine the role of this variant in disease. Therefore, it has been classified as a Variant of Uncertain Significance.

NM_014339.7(IL17RA):c.2105C>T (p.Ala702Val)

Gene: IL17RA (interleukin 17 receptor A; plus strand). Cytogenetic location: 22q11.1.
Variant type: single nucleotide variant.
Coding change: c.2105C>T on transcript NM_014339.7 (MANE Select); coding-DNA position 2105, C replaced by T.
Protein change: p.Ala702Val; replaces alanine 702 with valine.
Molecular consequence: missense variant.
Genome position (GRCh38, 1-based): chr22:17,109,324, C>T. VCF-style: chr22-17109324-C-T. GRCh37 (hg19) VCF-style: chr22-17590214-C-T.
Other names: c.2003C>T, p.Ala668Val (NM_001289905.2); short protein forms A702V, A668V.
Identifiers: ClinVar variation 2803972 (VCV002803972.3), dbSNP rs2517175189, ClinGen allele CA410220710.